The following is an entry in ClinVar:

ClinVar aggregate classification (germline): Benign/Likely benign. Review status: criteria provided, multiple submitters, no conflicts (2 of 4 stars). 2 submissions from 2 submitters: Benign (1); Likely benign (1). Last evaluated 2024-06-17.

Allele frequency attached by ClinVar (database versions not stated): gnomAD exomes 0.00018 and 0.00061; gnomAD 0.00021 and 0.00032; TOPMed 0.00033; ExAC 0.00060; 1000 Genomes Project 30x 0.00156; 1000 Genomes Project 0.00200.
gnomAD v4.1: 330 of 1,611,142 alleles (0.02%); highest among the groups gnomAD compares: East Asian, 0.53%; no homozygotes.

Submissions (2):

Blueprint Genetics
Classification: Likely benign. Last evaluated: 2024-06-17. Review status: criteria provided, single submitter. Criteria: ACMG Guidelines, 2015. Collection method: clinical testing. Allele origin: germline.

GeneDx
Classification: Benign. Last evaluated: 2016-09-15. Review status: criteria provided, single submitter. Criteria: GeneDx Variant Classification (06012015). Collection method: clinical testing. Allele origin: germline. Affected: yes.
Comment: This variant is considered likely benign or benign based on one or more of the following criteria: it is a conservative change, it occurs at a poorly conserved position in the protein, it is predicted to be benign by multiple in silico algorithms, and/or has population frequency not consistent with disease.

NM_001347721.2(DYRK1A):c.-16G>A

Gene: DYRK1A (dual specificity tyrosine phosphorylation regulated kinase 1A; plus strand). Cytogenetic location: 21q22.13.
Variant type: single nucleotide variant.
Coding change: c.-16G>A on transcript NM_001347721.2 (MANE Select); 16 bases upstream of the start codon, G replaced by A.
Molecular consequence: 5 prime UTR variant. On other transcripts: intron variant (1).
Genome position (GRCh38, 1-based): chr21:37,420,359, G>A. VCF-style: chr21-37420359-G-A. GRCh37 (hg19) VCF-style: chr21-38792661-G-A.
Other names: c.-16G>A (NM_001347722.2, NM_001396.5, NM_101395.2 and 2 more transcripts); c.-77-52325G>A (NM_001347723.2).
Identifiers: ClinVar variation 388430 (VCV000388430.2), dbSNP rs201650817, ClinGen allele CA10023646.
Genomic context (GRCh38, chr21:37,420,359, plus strand): 5'-TGTTATAGTTTTGCCGCTGGACTCTTCCCTCCCTTCCCCCACCCCATCAGGATGATATGA[G>A]ACTTGAAAGAAGACGATGCATACAGGTGACTCAAGTTTTGAAATACAGTAAAACTCTGGC-3'